The following is an entry in ClinVar:

NM_000520.6(HEXA):c.617T>C (p.Val206Ala)

Gene: HEXA (hexosaminidase subunit alpha; minus strand). Cytogenetic location: 15q23.
Variant type: single nucleotide variant.
Coding change: c.617T>C on transcript NM_000520.6 (MANE Select); coding-DNA position 617, T replaced by C.
Protein change: p.Val206Ala; replaces valine 206 with alanine.
Molecular consequence: missense variant. On other transcripts: non-coding transcript variant (1).
Genome position (GRCh38, 1-based): chr15:72,351,188, A>G on the plus strand (T>C on the coding strand, the complement: HEXA is on the minus strand). VCF-style: chr15-72351188-A-G. GRCh37 (hg19) VCF-style: chr15-72643529-A-G.
Other names: c.650T>C, p.Val217Ala (NM_001318825.2); short protein forms V217A, V206A.
Identifiers: ClinVar variation 1345234 (VCV001345234.3), dbSNP rs2140324697, ClinGen allele CA393063641.

ClinVar aggregate classification (germline): Uncertain significance (1 of 4 stars; one submission).

Conditions:
Tay-Sachs disease (TSD). Also called: HEXA Disorders; HEXA DEFICIENCY; GM2 gangliosidosis, type 1; Hexosaminidase alpha-subunit deficiency (variant B); Sphingolipidosis, Tay-Sachs; Hexosaminidase A Deficiency. Identifiers: Orphanet 845, MedGen C0039373, MONDO:0010100, OMIM 272800.

gnomAD v4.1: 1 of 1,613,418 alleles (0.000062%); no homozygotes.

Submission:

Labcorp Genetics (formerly Invitae), Labcorp
Classification: Uncertain significance for Tay-Sachs disease. Last evaluated: 2021-10-24. Review status: criteria provided, single submitter. Criteria: Invitae Variant Classification Sherloc (09022015). Collection method: clinical testing. Allele origin: germline.
Comment: This sequence change replaces valine, which is neutral and non-polar, with alanine, which is neutral and non-polar, at codon 206 of the HEXA protein (p.Val206Ala). This variant is not present in population databases (gnomAD no frequency). This variant has not been reported in the literature in individuals affected with HEXA-related conditions. Algorithms developed to predict the effect of missense changes on protein structure and function are either unavailable or do not agree on the potential impact of this missense change (SIFT: "Deleterious"; PolyPhen-2: "Probably Damaging"; Align-GVGD: "Class C0"). Algorithms developed to predict the effect of sequence changes on RNA splicing suggest that this variant may create or strengthen a splice site. In summary, the available evidence is currently insufficient to determine the role of this variant in disease. Therefore, it has been classified as a Variant of Uncertain Significance.